The following is an entry in ClinVar:

NM_016004.5(IFT52):c.1026T>A (p.Ser342Arg)

Gene: IFT52 (intraflagellar transport 52; plus strand). Cytogenetic location: 20q13.12.
Variant type: single nucleotide variant.
Coding change: c.1026T>A on transcript NM_016004.5 (MANE Select); coding-DNA position 1026, T replaced by A.
Protein change: p.Ser342Arg; replaces serine 342 with arginine.
Molecular consequence: missense variant.
Genome position (GRCh38, 1-based): chr20:43,637,159, T>A. VCF-style: chr20-43637159-T-A. GRCh37 (hg19) VCF-style: chr20-42265799-T-A.
Other names: c.1026T>A, p.Ser342Arg (NM_001303458.3, NM_001303459.3); c.498T>A, p.Ser166Arg (NM_001323578.2, NM_001323580.2); c.375T>A, p.Ser125Arg (NM_001323579.2, NM_001323581.2); short protein forms S166R, S342R, S125R.
Identifiers: ClinVar variation 1989454 (VCV001989454.4), dbSNP rs973090222, ClinGen allele CA314578592.

ClinVar aggregate classification (germline): Uncertain significance (1 of 4 stars; one submission).

Allele frequency attached by ClinVar (database versions not stated): gnomAD exomes below 0.00001.
gnomAD v4.1: 3 of 1,610,766 alleles (0.00019%); highest among the groups gnomAD compares: Admixed American, 0.005%; no homozygotes.

Submission:

Labcorp Genetics (formerly Invitae), Labcorp
Classification: Uncertain significance. Last evaluated: 2022-07-23. Review status: criteria provided, single submitter. Criteria: Invitae Variant Classification Sherloc (09022015). Collection method: clinical testing. Allele origin: germline.
Comment: In summary, the available evidence is currently insufficient to determine the role of this variant in disease. Therefore, it has been classified as a Variant of Uncertain Significance. Algorithms developed to predict the effect of missense changes on protein structure and function are either unavailable or do not agree on the potential impact of this missense change (SIFT: "Not Available"; PolyPhen-2: "Benign"; Align-GVGD: "Not Available"). This variant has not been reported in the literature in individuals affected with IFT52-related conditions. This variant is not present in population databases (gnomAD no frequency). This sequence change replaces serine, which is neutral and polar, with arginine, which is basic and polar, at codon 342 of the IFT52 protein (p.Ser342Arg).